The following is an entry in ClinVar:

NM_002834.5(PTPN11):c.486C>T (p.Asp162=)

Gene: PTPN11 (protein tyrosine phosphatase non-receptor type 11; plus strand). Cytogenetic location: 12q24.13.
Variant type: single nucleotide variant.
Coding change: c.486C>T on transcript NM_002834.5 (MANE Select); coding-DNA position 486, C replaced by T.
Protein change: p.Asp162=; no amino-acid change (aspartic acid 162 retained).
Molecular consequence: synonymous variant.
Genome position (GRCh38, 1-based): chr12:112,453,348, C>T. VCF-style: chr12-112453348-C-T. GRCh37 (hg19) VCF-style: chr12-112891152-C-T.
Other names: p.D162D; c.486C>T, p.Asp162= (NM_001330437.2, NM_080601.3); c.483C>T, p.Asp161= (NM_001374625.1).
Identifiers: ClinVar variation 40515 (VCV000040515.44), dbSNP rs397507522, ClinGen allele CA282089.

ClinVar aggregate classification (germline): Benign/Likely benign. Review status: criteria provided, multiple submitters, no conflicts (2 of 4 stars). 8 submissions from 8 submitters: Benign (3); Likely benign (4). 1 of the submissions does not count toward it. Last evaluated 2026-02-03.

Conditions:
PTPN11-related disorder. Also called: PTPN11-Related Disorders.
Cardiovascular phenotype. Identifiers: MedGen CN230736.
RASopathy. Also called: rasopathies; Noonan spectrum disorder. Identifiers: Orphanet 536391, MedGen C5555857, MONDO:0021060.
Juvenile myelomonocytic leukemia (JMML). Also called: LEUKEMIA, JUVENILE MYELOMONOCYTIC, SOMATIC. Identifiers: Orphanet 86834, MedGen C0349639, MONDO:0011908, OMIM 607785, HP:0012209.

Allele frequency attached by ClinVar (database versions not stated): gnomAD 0.00009; gnomAD exomes 0.00009 and 0.00008; TOPMed 0.00011; 1000 Genomes Project 30x 0.00016; 1000 Genomes Project 0.00020; ExAC 0.00007.
gnomAD v4.1: 141 of 1,614,078 alleles (0.0087%); highest among the groups gnomAD compares: Admixed American, 0.023%; no homozygotes.

Submissions (8):

Labcorp Genetics (formerly Invitae), Labcorp
Classification: Likely benign for RASopathy. Last evaluated: 2026-02-03. Review status: criteria provided, single submitter. Criteria: Invitae Variant Classification Sherloc (09022015). Collection method: clinical testing. Allele origin: germline.

Blueprint Genetics
Classification: Likely benign. Last evaluated: 2024-09-12. Review status: criteria provided, single submitter. Criteria: ACMG Guidelines, 2015. Collection method: clinical testing. Allele origin: germline.

CeGaT Center for Human Genetics Tuebingen
Classification: Likely benign. Last evaluated: 2023-11-01. Review status: criteria provided, single submitter. Criteria: CeGaT Center For Human Genetics Tuebingen Variant Classification Criteria Version 2. Collection method: clinical testing. Allele origin: germline. Affected: yes. Observed: 3 variant alleles.
Comment: PTPN11: BP4, BP7

KCCC/NGS Laboratory, Kuwait Cancer Control Center
Classification: Benign for Juvenile myelomonocytic leukemia. Last evaluated: 2023-07-07. Review status: criteria provided, single submitter. Criteria: ACMG Guidelines, 2015. Collection method: clinical testing. Allele origin: germline. Affected: yes.

Women's Health and Genetics/Laboratory Corporation of America, LabCorp
Classification: Benign. Last evaluated: 2022-05-02. Review status: criteria provided, single submitter. Criteria: LabCorp Variant Classification Summary - May 2015. Collection method: clinical testing. Allele origin: germline.

Ambry Genetics
Classification: Likely benign for Cardiovascular phenotype. Last evaluated: 2015-10-22. Review status: criteria provided, single submitter. Criteria: Ambry Variant Classification Scheme 2023. Collection method: clinical testing. Allele origin: germline.

GeneDx
Classification: Benign. Last evaluated: 2015-03-03. Review status: criteria provided, single submitter. Criteria: GeneDx Variant Classification Process June 2021. Collection method: clinical testing. Allele origin: germline. Affected: yes.

PreventionGenetics, part of Exact Sciences
Classification: Likely benign for PTPN11-related condition. Last evaluated: 2020-08-24. Review status: no assertion criteria provided. Collection method: clinical testing. Allele origin: germline. Not counted in ClinVar's aggregate classification.
Comment: This variant is classified as likely benign based on ACMG/AMP sequence variant interpretation guidelines (Richards et al. 2015 PMID: 25741868, with internal and published modifications).